The following is an entry in ClinVar:

ClinVar aggregate classification (germline): Uncertain significance. Review status: criteria provided, multiple submitters, no conflicts (2 of 4 stars). 2 submissions from 2 submitters: Uncertain significance (2). Last evaluated 2024-06-01.

Conditions:
Inborn genetic diseases. Identifiers: MedGen C0950123, MeSH D030342.

Allele frequency attached by ClinVar (database versions not stated): gnomAD 0.00001; gnomAD exomes 0.00002; TOPMed 0.00002; ExAC 0.00004.
gnomAD v4.1: 28 of 1,613,894 alleles (0.0017%); highest among the groups gnomAD compares: South Asian, 0.0044%; no homozygotes.

Submissions (2):

CeGaT Center for Human Genetics Tuebingen
Classification: Uncertain significance. Last evaluated: 2024-06-01. Review status: criteria provided, single submitter. Criteria: CeGaT Center For Human Genetics Tuebingen Variant Classification Criteria Version 2. Collection method: clinical testing. Allele origin: germline. Affected: yes. Observed: 1 variant allele.
Comment: AGO2: PP2

Ambry Genetics
Classification: Uncertain significance for Inborn genetic diseases. Last evaluated: 2023-05-26. Review status: criteria provided, single submitter. Criteria: Ambry Variant Classification Scheme 2023. Collection method: clinical testing. Allele origin: germline.

NM_012154.5(AGO2):c.460G>A (p.Val154Ile)

Gene: AGO2 (argonaute RISC catalytic component 2; minus strand). Cytogenetic location: 8q24.3.
Variant type: single nucleotide variant.
Coding change: c.460G>A on transcript NM_012154.5 (MANE Select); coding-DNA position 460, G replaced by A.
Protein change: p.Val154Ile; replaces valine 154 with isoleucine.
Molecular consequence: missense variant.
Genome position (GRCh38, 1-based): chr8:140,562,511, C>T on the plus strand (G>A on the coding strand, the complement: AGO2 is on the minus strand). VCF-style: chr8-140562511-C-T. GRCh37 (hg19) VCF-style: chr8-141572610-C-T.
Other names: c.460G>A, p.Val154Ile (NM_001164623.3); short protein forms V154I.
Identifiers: ClinVar variation 2512345 (VCV002512345.20), dbSNP rs764426394, ClinGen allele CA4894697.
Genomic context (GRCh38, chr8:140,562,511, plus strand): 5'-ACCTCATGGATGGCAAGTGCCTCATGACCACGTCCAGGGCCTGGATCGTCTCAAAAGGGA[C>T]GCTGGGCAGCCGCCCTGAAAGTGCATCGTGTAACGCCTGCAAGCTCACGCAGGACACCCA-3'
Protein context (NP_036286.2, residues 144-164): HDALSGRLPS[Val154Ile]PFETIQALDV